The following is an entry in ClinVar:

NM_001743.6(CALM2):c.54A>C (p.Ser18=)

Gene: CALM2 (calmodulin 2; minus strand). Cytogenetic location: 2p21.
Variant type: single nucleotide variant.
Coding change: c.54A>C on transcript NM_001743.6 (MANE Select); coding-DNA position 54, A replaced by C.
Protein change: p.Ser18=; no amino-acid change (serine 18 retained).
Molecular consequence: synonymous variant. On other transcripts: 5 prime UTR variant (2).
Genome position (GRCh38, 1-based): chr2:47,162,643, T>G on the plus strand (A>C on the coding strand, the complement: CALM2 is on the minus strand). VCF-style: chr2-47162643-T-G. GRCh37 (hg19) VCF-style: chr2-47389782-T-G.
Other names: c.198A>C, p.Ser66= (NM_001305624.1); c.-55A>C (NM_001305625.2, NM_001305626.1).
Identifiers: ClinVar variation 2025116 (VCV002025116.4), dbSNP rs2465709449, ClinGen allele CA426119240.
Genomic context (GRCh38, chr2:47,162,643, plus strand): 5'-TCTCATTACAGTTCCCAATTCCTTTGTTGTTATAGTTCCATCACCATCTTTGTCAAATAG[T>G]GAAAAAGCTTCTTTGAATTCTGTTTGAAAGAAAGACCACAATCCAAATACACAGATTAAT-3'
Protein context (NP_001734.1, residues 8-28): EQIAEFKEAF[Ser18=]LFDKDGDGTI

ClinVar aggregate classification (germline): Uncertain significance (1 of 4 stars; one submission).

Conditions:
Long QT syndrome 1 (LQT1). Identifiers: Orphanet 101016, Orphanet 768, MedGen C4551647, MONDO:0100316, OMIM 192500, MONDO:0008646.

Submission:

Labcorp Genetics (formerly Invitae), Labcorp
Classification: Uncertain significance for Long QT syndrome 1. Last evaluated: 2022-09-13. Review status: criteria provided, single submitter. Criteria: Invitae Variant Classification Sherloc (09022015). Collection method: clinical testing. Allele origin: germline.
Comment: This variant is not present in population databases (gnomAD no frequency). This variant has not been reported in the literature in individuals affected with CALM2-related conditions. Algorithms developed to predict the effect of sequence changes on RNA splicing suggest that this variant may create or strengthen a splice site. In summary, the available evidence is currently insufficient to determine the role of this variant in disease. Therefore, it has been classified as a Variant of Uncertain Significance. This sequence change affects codon 18 of the CALM2 mRNA. It is a 'silent' change, meaning that it does not change the encoded amino acid sequence of the CALM2 protein.